The following is an entry in ClinVar:

ClinVar aggregate classification (germline): Conflicting classifications of pathogenicity. Review status: criteria provided, conflicting classifications (1 of 4 stars). 5 submissions from 5 submitters: Uncertain significance (1); Likely benign (4). Last evaluated 2025-12-02.

Conditions:
TRIOBP-related disorder. Also called: TRIOBP-related condition.

Allele frequency attached by ClinVar (database versions not stated): gnomAD exomes 0.00006 and 0.00016; ExAC 0.00015; ESP Exome Variant Server 0.00032; 1000 Genomes Project 0.00040; gnomAD 0.00057 and 0.00061; 1000 Genomes Project 30x 0.00062; TOPMed 0.00075.
gnomAD v4.1: 184 of 1,613,844 alleles (0.011%); highest among the groups gnomAD compares: African/African-American, 0.22%; no homozygotes.

Submissions (5):

PreventionGenetics, part of Exact Sciences
Classification: Likely benign for TRIOBP-related condition. Last evaluated: 2025-12-02. Review status: criteria provided, single submitter. Criteria: ACMG Guidelines, 2015. Collection method: clinical testing. Allele origin: germline.
Comment: This variant is classified as likely benign based on ACMG/AMP sequence variant interpretation guidelines (Richards et al. 2015 PMID: 25741868, with internal and published modifications).

Labcorp Genetics (formerly Invitae), Labcorp
Classification: Likely benign. Last evaluated: 2025-03-13. Review status: criteria provided, single submitter. Criteria: Invitae Variant Classification Sherloc (09022015). Collection method: clinical testing. Allele origin: germline.

Mayo Clinic Laboratories, Mayo Clinic
Classification: Likely benign. Last evaluated: 2024-10-23. Review status: criteria provided, single submitter. Criteria: ACMG Guidelines, 2015. Collection method: clinical testing. Allele origin: germline. Observed: 1 variant allele.
Comment: BS2_supporting, BP4

Blueprint Genetics
Classification: Uncertain significance. Last evaluated: 2024-10-07. Review status: criteria provided, single submitter. Criteria: ACMG Guidelines, 2015. Collection method: clinical testing. Allele origin: germline.

Laboratory for Molecular Medicine, Mass General Brigham Personalized Medicine
Classification: Likely benign. Last evaluated: 2013-07-25. Review status: criteria provided, single submitter. Criteria: LMM Criteria. Collection method: clinical testing. Allele origin: germline. Observed: 1 variant allele.
Comment: Asp1722Glu in exon 10 of TRIOBP: This variant is not expected to have clinical s ignificance due to a lack of conservation across species, including mammals. Of note, mouse and guinea pig have a glutamic acid (Glu) at this position despite h igh nearby amino acid conservation. In addition, computational analyses (PolyPhe n2, SIFT, AlignGVGD) do not suggest a high likelihood of impact to the protein a nd this variant has been identified in 0.1% (4/4044) of African American chromos omes by the NHLBI Exome Sequencing Project (d bSNP rs183189469).

NM_001039141.3(TRIOBP):c.5166C>G (p.Asp1722Glu)

Gene: TRIOBP (TRIO and F-actin binding protein; plus strand). Cytogenetic location: 22q13.1.
Variant type: single nucleotide variant.
Coding change: c.5166C>G on transcript NM_001039141.3 (MANE Select); coding-DNA position 5166, C replaced by G.
Protein change: p.Asp1722Glu; replaces aspartic acid 1722 with glutamic acid.
Molecular consequence: missense variant.
Genome position (GRCh38, 1-based): chr22:37,738,701, C>G. VCF-style: chr22-37738701-C-G. GRCh37 (hg19) VCF-style: chr22-38134708-C-G.
Other names: short protein forms D1722E.
Identifiers: ClinVar variation 165598 (VCV000165598.16), dbSNP rs183189469, ClinGen allele CA178339.